The following is an entry in ClinVar:

ClinVar aggregate classification (germline): Likely pathogenic (1 of 4 stars; one submission).

Submission:

Labcorp Genetics (formerly Invitae), Labcorp
Classification: Likely pathogenic. Last evaluated: 2022-01-22. Review status: criteria provided, single submitter. Criteria: Invitae Variant Classification Sherloc (09022015). Collection method: clinical testing. Allele origin: germline.
Comment: This sequence change affects an acceptor splice site in intron 21 of the SLC12A3 gene. It is expected to disrupt RNA splicing. Variants that disrupt the donor or acceptor splice site typically lead to a loss of protein function (PMID: 16199547), and loss-of-function variants in SLC12A3 are known to be pathogenic (PMID: 20848653, 22009145, 25841442). This variant is not present in population databases (gnomAD no frequency). This variant has not been reported in the literature in individuals affected with SLC12A3-related conditions. Algorithms developed to predict the effect of sequence changes on RNA splicing suggest that this variant may disrupt the consensus splice site. In summary, the currently available evidence indicates that the variant is pathogenic, but additional data are needed to prove that conclusively. Therefore, this variant has been classified as Likely Pathogenic.

Literature cited by the submitters: PubMed 16199547; PubMed 20848653; PubMed 22009145; PubMed 25841442.

NM_001126108.2(SLC12A3):c.2522-2A>C

Gene: SLC12A3 (solute carrier family 12 member 3; plus strand). Cytogenetic location: 16q13.
Variant type: single nucleotide variant.
Coding change: c.2522-2A>C on transcript NM_001126108.2 (MANE Select); the canonical splice acceptor site of the intron before coding-DNA position 2522, A replaced by C.
Molecular consequence: splice acceptor variant.
Genome position (GRCh38, 1-based): chr16:56,894,529, A>C. VCF-style: chr16-56894529-A-C. GRCh37 (hg19) VCF-style: chr16-56928441-A-C.
Other names: c.2549-2A>C (NM_000339.3); c.2546-2A>C (NM_001126107.2); c.2519-2A>C (NM_001410896.1).
Identifiers: ClinVar variation 2089118 (VCV002089118.4), dbSNP rs2543542317, ClinGen allele CA395997208.